The following is an entry in ClinVar:

ClinVar aggregate classification (germline): Pathogenic (1 of 4 stars; one submission).

Conditions:
Purine-nucleoside phosphorylase deficiency. Also called: Immunodeficiency due to purine nucleoside phosphorylase deficiency; NUCLEOSIDE PHOSPHORYLASE DEFICIENCY. Identifiers: Orphanet 760, MedGen C0268125, MONDO:0013171, OMIM 613179.

Submission:

Labcorp Genetics (formerly Invitae), Labcorp
Classification: Pathogenic for Purine-nucleoside phosphorylase deficiency. Last evaluated: 2025-10-22. Review status: criteria provided, single submitter. Criteria: Invitae Variant Classification Sherloc (09022015). Collection method: clinical testing. Allele origin: germline.
Comment: This sequence change creates a premature translational stop signal (p.Gly232*) in the PNP gene. While this is not anticipated to result in nonsense mediated decay, it is expected to disrupt the last 58 amino acid(s) of the PNP protein. This variant is not present in population databases (gnomAD no frequency). This variant has not been reported in the literature in individuals affected with PNP-related conditions. This variant disrupts a region of the PNP protein in which other variant(s) (p.His257Asp) have been determined to be pathogenic (PMID: 15571269, 17407325, 32695102). This suggests that this is a clinically significant region of the protein, and that variants that disrupt it are likely to be disease-causing. For these reasons, this variant has been classified as Pathogenic.

Literature cited by the submitters: PubMed 15571269; PubMed 17407325; PubMed 32695102.

NM_000270.4(PNP):c.694G>T (p.Gly232Ter)

Gene: PNP (purine nucleoside phosphorylase; plus strand). Cytogenetic location: 14q11.2.
Variant type: single nucleotide variant.
Coding change: c.694G>T on transcript NM_000270.4 (MANE Select); coding-DNA position 694, G replaced by T.
Protein change: p.Gly232Ter; replaces glycine 232 with a stop codon.
Molecular consequence: nonsense.
Genome position (GRCh38, 1-based): chr14:20,476,425, G>T. VCF-style: chr14-20476425-G-T. GRCh37 (hg19) VCF-style: chr14-20944584-G-T.
Other names: short protein forms G232*.
Identifiers: ClinVar variation 4710887 (VCV004710887.1).